The following is an entry in ClinVar:

ClinVar aggregate classification (germline): Uncertain significance (1 of 4 stars; one submission).

Allele frequency attached by ClinVar (database versions not stated): gnomAD exomes below 0.00001.
gnomAD v4.1: 1 of 1,613,788 alleles (0.000062%); highest among the groups gnomAD compares: Non-Finnish European, 0.000085%; no homozygotes.

Submission:

Labcorp Genetics (formerly Invitae), Labcorp
Classification: Uncertain significance. Last evaluated: 2020-10-20. Review status: criteria provided, single submitter. Criteria: Invitae Variant Classification Sherloc (09022015). Collection method: clinical testing. Allele origin: germline.
Comment: In summary, the available evidence is currently insufficient to determine the role of this variant in disease. Therefore, it has been classified as a Variant of Uncertain Significance. Advanced modeling of protein sequence and biophysical properties (such as structural, functional, and spatial information, amino acid conservation, physicochemical variation, residue mobility, and thermodynamic stability) performed at Invitae indicates that this missense variant is not expected to disrupt COL11A1 protein function. This variant has not been reported in the literature in individuals with COL11A1-related conditions. This variant is not present in population databases (ExAC no frequency). This sequence change replaces glutamine with arginine at codon 515 of the COL11A1 protein (p.Gln515Arg). The glutamine residue is highly conserved and there is a small physicochemical difference between glutamine and arginine.

NM_001854.4(COL11A1):c.1544A>G (p.Gln515Arg)

Gene: COL11A1 (collagen type XI alpha 1 chain; minus strand). Cytogenetic location: 1p21.1.
Variant type: single nucleotide variant.
Coding change: c.1544A>G on transcript NM_001854.4 (MANE Select); coding-DNA position 1544, A replaced by G.
Protein change: p.Gln515Arg; replaces glutamine 515 with arginine.
Molecular consequence: missense variant. On other transcripts: non-coding transcript variant (1).
Genome position (GRCh38, 1-based): chr1:103,014,539, T>C on the plus strand (A>G on the coding strand, the complement: COL11A1 is on the minus strand). VCF-style: chr1-103014539-T-C. GRCh37 (hg19) VCF-style: chr1-103480095-T-C.
Other names: c.1427A>G, p.Gln476Arg (NM_001190709.2); c.1580A>G, p.Gln527Arg (NM_080629.3); c.1196A>G, p.Gln399Arg (NM_080630.4); short protein forms Q399R, Q476R, Q515R, Q527R.
Identifiers: ClinVar variation 1016978 (VCV001016978.8), dbSNP rs1666402093, ClinGen allele CA341179077.